The following is an entry in ClinVar:

ClinVar aggregate classification (germline): Uncertain significance. Review status: criteria provided, single submitter (1 of 4 stars). 2 submissions from 2 submitters: Uncertain significance (1). 1 of the submissions does not count toward it. Last evaluated 2025-03-15.

Conditions:
NCOA1-related disorder. Also called: NCOA1-related condition.

gnomAD v4.1: 3 of 1,613,990 alleles (0.00019%); highest among the groups gnomAD compares: Admixed American, 0.0033%; no homozygotes.

Submissions (2):

Ambry Genetics
Classification: Uncertain significance. Last evaluated: 2025-03-15. Review status: criteria provided, single submitter. Criteria: Ambry Variant Classification Scheme 2023. Collection method: clinical testing. Allele origin: germline.

PreventionGenetics, part of Exact Sciences
Classification: Uncertain significance for NCOA1-related condition. Last evaluated: 2024-05-31. Review status: no assertion criteria provided. Collection method: clinical testing. Allele origin: germline. Not counted in ClinVar's aggregate classification.
Comment: The NCOA1 c.51T>G variant is predicted to result in the amino acid substitution p.His17Gln. To our knowledge, this variant has not been reported in the literature or in a large population database, indicating this variant is rare. At this time, the clinical significance of this variant is uncertain due to the absence of conclusive functional and genetic evidence.

NM_003743.5(NCOA1):c.51T>G (p.His17Gln)

Gene: NCOA1 (nuclear receptor coactivator 1; plus strand). Cytogenetic location: 2p23.3.
Variant type: single nucleotide variant.
Coding change: c.51T>G on transcript NM_003743.5 (MANE Select); coding-DNA position 51, T replaced by G.
Protein change: p.His17Gln; replaces histidine 17 with glutamine.
Molecular consequence: missense variant.
Genome position (GRCh38, 1-based): chr2:24,658,728, T>G. VCF-style: chr2-24658728-T-G. GRCh37 (hg19) VCF-style: chr2-24881597-T-G.
Other names: c.51T>G, p.His17Gln (NM_001362950.1, NM_001362952.1, NM_001362954.1 and 3 more transcripts); short protein forms H17Q.
Identifiers: ClinVar variation 3347966 (VCV003347966.2).